The following is an entry in ClinVar:

ClinVar aggregate classification (germline): Pathogenic/Likely pathogenic. Review status: criteria provided, multiple submitters, no conflicts (2 of 4 stars). 3 submissions from 3 submitters: Pathogenic (1); Likely pathogenic (1). 1 of the submissions does not count toward it. Last evaluated 2025-09-03.

Conditions:
DEGS1-related Hypomyelinating Leukodystrophy.
Leukodystrophy, hypomyelinating, 18. Identifiers: MedGen C5193078, MONDO:0032730, OMIM 618404.

Allele frequency attached by ClinVar (database versions not stated): gnomAD exomes 0.00001.
gnomAD v4.1: 13 of 1,614,214 alleles (0.00081%); highest among the groups gnomAD compares: South Asian, 0.0011%; no homozygotes.

Submissions (3):

GLIA-CTN Genomics Core
Classification: Pathogenic for DEGS1-related Hypomyelinating Leukodystrophy. Last evaluated: 2025-09-03. Review status: criteria provided, single submitter. Criteria: ACMG Guidelines, 2015. Collection method: clinical testing. Allele origin: germline. Inheritance: Autosomal recessive inheritance. Affected: yes. Study: Myelin Disorders Biorepository Project and GLIA-CTN.
Comment: Together, these findings are consistent with a diagnosis of DEGS1-related hypomyelinating leukodystrophy. This variant has been identified in multiple individuals with DEGS1-relayed hypomyelinating leukodystrophy (PMID: 30620337)(PS4). In summary, this variant meets criteria to be classified as pathogenic for DEGS1-relayed hypomyelinating leukodystrophy disease based on the ACMG/AMP criteria applied: PS4, PP4_strong, PM3.

SIB Swiss Institute of Bioinformatics
Classification: Likely pathogenic for Leukodystrophy, hypomyelinating, 18. Last evaluated: 2019-09-25. Review status: criteria provided, single submitter. Criteria: ACMG Guidelines, 2015. Collection method: curation. Allele origin: unknown.
Comment: This variant is interpreted as a Likely pathogenic for Leukodystrophy, hypomyelinating, 18, autosomal recessive. The following ACMG Tag(s) were applied: PM2, PP3, PS3, PM3-Supporting.

OMIM
Classification: Pathogenic for LEUKODYSTROPHY, HYPOMYELINATING, 18. Last evaluated: 2019-04-30. Review status: no assertion criteria provided. Collection method: literature only. Allele origin: germline. Not counted in ClinVar's aggregate classification.

Literature cited by the submitters: PubMed 30620337 (cited by 3 submitters).

NM_003676.4(DEGS1):c.337A>G (p.Asn113Asp)

Gene: DEGS1 (delta 4-desaturase, sphingolipid 1; plus strand). Cytogenetic location: 1q42.11.
Variant type: single nucleotide variant.
Coding change: c.337A>G on transcript NM_003676.4 (MANE Select); coding-DNA position 337, A replaced by G.
Protein change: p.Asn113Asp; replaces asparagine 113 with aspartic acid.
Molecular consequence: missense variant.
Genome position (GRCh38, 1-based): chr1:224,189,831, A>G. VCF-style: chr1-224189831-A-G. GRCh37 (hg19) VCF-style: chr1-224377533-A-G.
Other names: c.337A>G, p.Asn113Asp (NM_001321541.2); c.229A>G, p.Asn77Asp (NM_001321542.2); short protein forms N113D, N77D.
Identifiers: ClinVar variation 626329 (VCV000626329.2), dbSNP rs1280845604, ClinGen allele CA344709079.